The following is an entry in ClinVar:

ClinVar aggregate classification (germline): Benign. Review status: criteria provided, multiple submitters, no conflicts (2 of 4 stars). 2 submissions from 2 submitters: Benign (2). Last evaluated 2018-01-13.

Conditions:
Mucopolysaccharidosis, MPS-III-D (MPS3D). Also called: MPS IIID (Sanfilippo Syndrome Type D); MPS III D; Mucopoly-saccharidosis type 3D; N-acetylglucosamine-6-sulfate sulfatase deficiency; MPS 3D; N-ACETYLGLUCOSAMINE-6-SULFATASE DEFICIENCY. Identifiers: Orphanet 581, Orphanet 79272, MedGen C0086650, MONDO:0009658, OMIM 252940.

Allele frequency attached by ClinVar (database versions not stated): TOPMed 0.50466; gnomAD 0.52374 and 0.51078; 1000 Genomes Project 30x 0.58323; 1000 Genomes Project 0.59385.

Submissions (2):

Illumina Laboratory Services, Illumina
Classification: Benign for Mucopolysaccharidosis, MPS-III-D. Last evaluated: 2018-01-13. Review status: criteria provided, single submitter. Criteria: ICSL Variant Classification Criteria 13 December 2019. Collection method: clinical testing. Allele origin: germline.
Comment: This variant was observed in the ICSL laboratory as part of a predisposition screen in an ostensibly healthy population. It had not been previously curated by ICSL or reported in the Human Gene Mutation Database (HGMD: prior to June 1st, 2018), and was therefore a candidate for classification through an automated scoring system. Utilizing variant allele frequency, disease prevalence and penetrance estimates, and inheritance mode, an automated score was calculated to assess if this variant is too frequent to cause the disease. Based on the score and internal cut-off values, a variant classified as benign is not then subjected to further curation. The score for this variant resulted in a classification of benign for this disease.

Breakthrough Genomics
Classification: Benign. Review status: criteria provided, single submitter. Criteria: ACMG Guidelines, 2015. Collection method: not provided. Allele origin: germline. Inheritance: Autosomal recessive inheritance. Affected: yes.

NM_002076.4(GNS):c.*1353G>A

Gene: GNS (glucosamine (N-acetyl)-6-sulfatase; minus strand). Cytogenetic location: 12q14.3.
Variant type: single nucleotide variant.
Coding change: c.*1353G>A on transcript NM_002076.4 (MANE Select); 1353 bases downstream of the stop codon, G replaced by A.
Molecular consequence: 3 prime UTR variant.
Genome position (GRCh38, 1-based): chr12:64,715,388, C>T on the plus strand (G>A on the coding strand, the complement: GNS is on the minus strand). VCF-style: chr12-64715388-C-T. GRCh37 (hg19) VCF-style: chr12-65109168-C-T.
Identifiers: ClinVar variation 310184 (VCV000310184.6), dbSNP rs1269548, ClinGen allele CA10643171.